The following is an entry in ClinVar:

ClinVar aggregate classification (germline): Uncertain significance. Review status: criteria provided, multiple submitters, no conflicts (2 of 4 stars). 2 submissions from 2 submitters: Uncertain significance (2). Last evaluated 2023-07-26.

Conditions:
Hereditary cancer-predisposing syndrome. Also called: Neoplastic Syndromes, Hereditary; Tumor predisposition; Hereditary Cancer Syndrome; Hereditary neoplastic syndrome. Identifiers: Orphanet 140162, MedGen C0027672, MeSH D009386, MONDO:0015356.

Allele frequency attached by ClinVar (database versions not stated): gnomAD exomes below 0.00001.
gnomAD v4.1: 2 of 1,613,996 alleles (0.00012%); highest among the groups gnomAD compares: Admixed American, 0.0017%; no homozygotes.

Submissions (2):

Labcorp Genetics (formerly Invitae), Labcorp
Classification: Uncertain significance. Last evaluated: 2023-07-26. Review status: criteria provided, single submitter. Criteria: Invitae Variant Classification Sherloc (09022015). Collection method: clinical testing. Allele origin: germline.
Comment: In summary, the available evidence is currently insufficient to determine the role of this variant in disease. Therefore, it has been classified as a Variant of Uncertain Significance. Advanced modeling of protein sequence and biophysical properties (such as structural, functional, and spatial information, amino acid conservation, physicochemical variation, residue mobility, and thermodynamic stability) performed at Invitae indicates that this missense variant is expected to disrupt POLE protein function. ClinVar contains an entry for this variant (Variation ID: 473462). This variant has not been reported in the literature in individuals affected with POLE-related conditions. This variant is present in population databases (no rsID available, gnomAD 0.003%). This sequence change replaces glycine, which is neutral and non-polar, with valine, which is neutral and non-polar, at codon 496 of the POLE protein (p.Gly496Val).

Ambry Genetics
Classification: Uncertain significance for Hereditary cancer-predisposing syndrome. Last evaluated: 2023-03-31. Review status: criteria provided, single submitter. Criteria: Ambry Variant Classification Scheme 2023. Collection method: clinical testing. Allele origin: germline.
Comment: The p.G496V variant (also known as c.1487G>T), located in coding exon 15 of the POLE gene, results from a G to T substitution at nucleotide position 1487. The glycine at codon 496 is replaced by valine, an amino acid with dissimilar properties. This amino acid position is conserved. In addition, this alteration is predicted to be deleterious by in silico analysis. Since supporting evidence is limited at this time, the clinical significance of this alteration remains unclear.

NM_006231.4(POLE):c.1487G>T (p.Gly496Val)

Gene: POLE (DNA polymerase epsilon, catalytic subunit; minus strand). Cytogenetic location: 12q24.33.
Variant type: single nucleotide variant.
Coding change: c.1487G>T on transcript NM_006231.4 (MANE Select); coding-DNA position 1487, G replaced by T.
Protein change: p.Gly496Val; replaces glycine 496 with valine.
Molecular consequence: missense variant.
Genome position (GRCh38, 1-based): chr12:132,672,826, C>A on the plus strand (G>T on the coding strand, the complement: POLE is on the minus strand). VCF-style: chr12-132672826-C-A. GRCh37 (hg19) VCF-style: chr12-133249412-C-A.
Other names: c.1487G>T (NM_006231.2); short protein forms G496V.
Identifiers: ClinVar variation 473462 (VCV000473462.11), dbSNP rs1485752650, ClinGen allele CA387357715.